The following is an entry in ClinVar:

NM_000553.6(WRN):c.3148T>G (p.Trp1050Gly)

Gene: WRN (WRN RecQ like helicase; plus strand). Cytogenetic location: 8p12.
Variant type: single nucleotide variant.
Coding change: c.3148T>G on transcript NM_000553.6 (MANE Select); coding-DNA position 3148, T replaced by G.
Protein change: p.Trp1050Gly; replaces tryptophan 1050 with glycine.
Molecular consequence: missense variant.
Genome position (GRCh38, 1-based): chr8:31,141,690, T>G. VCF-style: chr8-31141690-T-G. GRCh37 (hg19) VCF-style: chr8-30999206-T-G.
Other names: short protein forms W1050G.
Identifiers: ClinVar variation 966225 (VCV000966225.6), dbSNP rs777537726, ClinGen allele CA370922878.

ClinVar aggregate classification (germline): Uncertain significance (1 of 4 stars; one submission).

Conditions:
Werner syndrome (WRN). Identifiers: Orphanet 902, MedGen C0043119, MONDO:0010196, OMIM 277700.

gnomAD v4.1: 8 of 1,614,190 alleles (0.0005%); highest among the groups gnomAD compares: Non-Finnish European, 0.00068%; no homozygotes.

Submission:

Labcorp Genetics (formerly Invitae), Labcorp
Classification: Uncertain significance for Werner syndrome. Last evaluated: 2023-09-27. Review status: criteria provided, single submitter. Criteria: Invitae Variant Classification Sherloc (09022015). Collection method: clinical testing. Allele origin: germline.
Comment: This sequence change replaces tryptophan, which is neutral and slightly polar, with glycine, which is neutral and non-polar, at codon 1050 of the WRN protein (p.Trp1050Gly). This variant is not present in population databases (gnomAD no frequency). This variant has not been reported in the literature in individuals affected with WRN-related conditions. ClinVar contains an entry for this variant (Variation ID: 966225). An algorithm developed to predict the effect of missense changes on protein structure and function (PolyPhen-2) suggests that this variant is likely to be disruptive. In summary, the available evidence is currently insufficient to determine the role of this variant in disease. Therefore, it has been classified as a Variant of Uncertain Significance.